The following is an entry in ClinVar:

ClinVar aggregate classification (germline): Uncertain significance. Review status: criteria provided, multiple submitters, no conflicts (2 of 4 stars). 2 submissions from 2 submitters: Uncertain significance (2). Last evaluated 2025-03-17.

Conditions:
Dilated cardiomyopathy 1G (CMD1G). Identifiers: Orphanet 154, MedGen C1858763, MONDO:0011400, OMIM 604145.
Autosomal recessive limb-girdle muscular dystrophy type 2J (LGMDR10). Also called: MUSCULAR DYSTROPHY, LIMB-GIRDLE, AUTOSOMAL RECESSIVE 10; Limb-girdle muscular dystrophy, type 2J. Identifiers: Orphanet 140922, MedGen C1837342, MONDO:0012127, OMIM 608807.

Submissions (2):

Labcorp Genetics (formerly Invitae), Labcorp
Classification: Uncertain significance for Dilated cardiomyopathy 1G; Autosomal recessive limb-girdle muscular dystrophy type 2J. Last evaluated: 2025-03-17. Review status: criteria provided, single submitter. Criteria: Invitae Variant Classification Sherloc (09022015). Collection method: clinical testing. Allele origin: germline.
Comment: This sequence change replaces leucine, which is neutral and non-polar, with phenylalanine, which is neutral and non-polar, at codon 34963 of the TTN protein (p.Leu34963Phe). This variant is not present in population databases (gnomAD no frequency). This variant has not been reported in the literature in individuals affected with TTN-related conditions. ClinVar contains an entry for this variant (Variation ID: 2437486). Experimental studies and prediction algorithms are not available or were not evaluated, and the functional significance of this variant is currently unknown. This variant is located in the M band of TTN (PMID: 25589632). Non-truncating variants in this region may be relevant for neuromuscular disorders, but have not been definitively shown to cause cardiomyopathy (PMID: 23975875). In summary, the available evidence is currently insufficient to determine the role of this variant in disease. Therefore, it has been classified as a Variant of Uncertain Significance.

Revvity Omics, Revvity
Classification: Uncertain significance. Last evaluated: 2020-06-10. Review status: criteria provided, single submitter. Criteria: ACMG Guidelines, 2015. Collection method: clinical testing. Allele origin: germline.

Literature cited by the submitters: PubMed 25589632 (cited by Labcorp Genetics (formerly Invitae), Labcorp); PubMed 23975875 (cited by Labcorp Genetics (formerly Invitae), Labcorp).

NM_001267550.2(TTN):c.104889A>C (p.Leu34963Phe)

Genes: TTN-AS1 (TTN antisense RNA 1; plus strand), TTN (titin; minus strand). Cytogenetic location: 2q31.2.
Variant type: single nucleotide variant.
Coding change: c.104889A>C on transcript NM_001267550.2 (MANE Select); coding-DNA position 104889, A replaced by C.
Protein change: p.Leu34963Phe; replaces leucine 34963 with phenylalanine.
Molecular consequence: missense variant.
Genome position (GRCh38, 1-based): chr2:178,531,726, T>G on the plus strand (A>C on the coding strand, the complement: TTN is on the minus strand). VCF-style: chr2-178531726-T-G. GRCh37 (hg19) VCF-style: chr2-179396453-T-G.
Other names: c.99966A>C, p.Leu33322Phe (NM_001256850.1); c.77694A>C, p.Leu25898Phe (NM_003319.4); c.97185A>C, p.Leu32395Phe (NM_133378.4); c.78069A>C, p.Leu26023Phe (NM_133432.3); c.78270A>C, p.Leu26090Phe (NM_133437.4); short protein forms L25898F, L26023F, L26090F, L32395F, L33322F, L34963F.
Identifiers: ClinVar variation 2437486 (VCV002437486.4), dbSNP rs2468420596, ClinGen allele CA349410602.
Genomic context (GRCh38, chr2:178,531,726, plus strand): 5'-TTGGAGTTCCACACCATTGTGGTACCATTTAACCTCGGCAGTTGGCTTAGACTGAACATT[T>G]AAAATAAAACGTGTATTTTGGCCACATGGTACCCTGTGCGAGCGCATTCTCAGTGTGATT-3'
Protein context (NP_001254479.2, residues 34953-34973): VPCGQNTRFI[Leu34963Phe]NVQSKPTAEV